The following is an entry in ClinVar:

ClinVar aggregate classification (germline): Uncertain significance (1 of 4 stars; one submission).

Conditions:
Inborn genetic diseases. Identifiers: MedGen C0950123, MeSH D030342.

Submission:

Ambry Genetics
Classification: Uncertain significance for Inborn genetic diseases. Last evaluated: 2025-05-22. Review status: criteria provided, single submitter. Criteria: Ambry Variant Classification Scheme 2023. Collection method: clinical testing. Allele origin: germline.
Comment: The p.A95P variant (also known as c.283G>C), located in coding exon 2 of the G6PC3 gene, results from a G to C substitution at nucleotide position 283. The alanine at codon 95 is replaced by proline, an amino acid with highly similar properties. This amino acid position is conserved. In addition, this alteration is predicted to be tolerated by in silico analysis. Based on the available evidence, the clinical significance of this variant remains unclear.

NM_138387.4(G6PC3):c.283G>C (p.Ala95Pro)

Gene: G6PC3 (glucose-6-phosphatase catalytic subunit 3; plus strand). Cytogenetic location: 17q21.31.
Variant type: single nucleotide variant.
Coding change: c.283G>C on transcript NM_138387.4 (MANE Select); coding-DNA position 283, G replaced by C.
Protein change: p.Ala95Pro; replaces alanine 95 with proline.
Molecular consequence: missense variant. On other transcripts: 5 prime UTR variant (4).
Genome position (GRCh38, 1-based): chr17:44,074,224, G>C. VCF-style: chr17-44074224-G-C. GRCh37 (hg19) VCF-style: chr17-42151592-G-C.
Other names: c.283G>C, p.Ala95Pro (NM_001319945.2); c.-63G>C (NM_001384165.1, NM_001384166.1, NM_001384167.1 and 1 more transcripts); short protein forms A95P.
Identifiers: ClinVar variation 4027609 (VCV004027609.1).